The following is an entry in ClinVar:

ClinVar aggregate classification (germline): Pathogenic (1 of 4 stars; one submission).

Conditions:
Hereditary cancer-predisposing syndrome. Also called: Neoplastic Syndromes, Hereditary; Tumor predisposition; Hereditary Cancer Syndrome; Hereditary neoplastic syndrome. Identifiers: Orphanet 140162, MedGen C0027672, MeSH D009386, MONDO:0015356.

Submission:

Ambry Genetics
Classification: Pathogenic for Hereditary cancer-predisposing syndrome. Last evaluated: 2022-08-02. Review status: criteria provided, single submitter. Criteria: Ambry Variant Classification Scheme 2023. Collection method: clinical testing. Allele origin: germline.
Comment: The c.1788dupT pathogenic mutation, located in coding exon 4 of the MSH6 gene, results from a duplication of T at nucleotide position 1788, causing a translational frameshift with a predicted alternate stop codon (p.E597*). This alteration is expected to result in loss of function by premature protein truncation or nonsense-mediated mRNA decay. As such, this alteration is interpreted as a disease-causing mutation.

NM_000179.3(MSH6):c.1788dup (p.Glu597Ter)

Gene: MSH6 (mutS homolog 6; plus strand). Cytogenetic location: 2p16.3.
Variant type: Duplication.
Coding change: c.1788dup on transcript NM_000179.3 (MANE Select); coding-DNA position 1788, one base duplicated (T; older notation c.1788dupT).
Protein change: p.Glu597Ter; replaces glutamic acid 597 with a stop codon.
Molecular consequence: nonsense. On other transcripts: frameshift variant (35).
Genome position (GRCh38, 1-based): chr2:47,799,771, T duplicated; the last of 3 consecutive T bases (chr2:47,799,769-47,799,771); duplicating any one gives the same sequence. VCF-style (leftmost placement, unchanged base first): chr2-47799768-A-AT. GRCh37 (hg19) VCF-style: chr2-48026907-A-AT.
Other names: c.1398dup, p.Glu467Ter (NM_001281492.2); c.882dup, p.Glu295Ter (NM_001281493.2, NM_001281494.2); c.1884dup, p.Glu629Terfs (NM_001406795.1, NM_001406802.1); c.1788dup, p.Glu597Terfs (NM_001406796.1, NM_001406798.1, NM_001406800.1 and 3 more transcripts); c.1491dup, p.Glu498Terfs (NM_001406797.1, NM_001406801.1, NM_001406805.1 and 10 more transcripts); c.1263dup, p.Glu422Terfs (NM_001406799.1, NM_001406806.1, NM_001406807.1); c.1710dup, p.Glu571Terfs (NM_001406804.1); c.882dup, p.Glu295Terfs (NM_001406811.1, NM_001406812.1, NM_001406814.1 and 4 more transcripts); and 3 more; short protein forms E467*, E295*, E597*.
Identifiers: ClinVar variation 1780123 (VCV001780123.2), dbSNP rs267608044, ClinGen allele CA2580067698.
Genomic context (GRCh38, chr2:47,799,768, plus strand): 5'-TGATCGCCATTGTTCGAGATTTAGGACTCTAGTGGCACACTATCCCCCAGTACAAGTTTT[A>AT]TTTGAAAAAGGAAATCTCTCAAAGGAAACTAAAACAATTCTAAAGAGTTCATTGTCCTGT-3'